The following is an entry in ClinVar:

NM_000133.4(F9):c.688G>C (p.Gly230Arg)

Gene: F9 (coagulation factor IX; plus strand). Cytogenetic location: Xq27.1.
Variant type: single nucleotide variant.
Coding change: c.688G>C on transcript NM_000133.4 (MANE Select); coding-DNA position 688, G replaced by C.
Protein change: p.Gly230Arg; replaces glycine 230 with arginine.
Molecular consequence: missense variant.
Genome position (GRCh38, 1-based): chrX:139,551,229, G>C. VCF-style: chrX-139551229-G-C. GRCh37 (hg19) VCF-style: chrX-138633388-G-C.
Other names: p.Gly230Arg; c.574G>C, p.Gly192Arg (NM_001313913.2); short protein forms G192R, G230R.
Identifiers: ClinVar variation 3380934 (VCV003380934.1).

ClinVar aggregate classification (germline): Pathogenic (1 of 4 stars; one submission).

Submission:

Mayo Clinic Laboratories, Mayo Clinic
Classification: Pathogenic. Last evaluated: 2023-10-13. Review status: criteria provided, single submitter. Criteria: ACMG Guidelines, 2015. Collection method: clinical testing. Allele origin: germline. Observed: 1 variant allele.
Comment: PP3, PM1_supporting, PM2_moderate, PS1, PS4_moderate

Literature cited by the submitters: PubMed 12515715; PubMed 15921378; PubMed 25929987; PubMed 29296726.